The following is an entry in ClinVar:

ClinVar aggregate classification (germline): Likely benign. Review status: criteria provided, multiple submitters, no conflicts (2 of 4 stars). 2 submissions from 2 submitters: Likely benign (2). Last evaluated 2026-07-01.

Allele frequency attached by ClinVar (database versions not stated): gnomAD exomes 0.00007; gnomAD 0.00010; ExAC 0.00014; TOPMed 0.00014; ESP Exome Variant Server 0.00023; 1000 Genomes Project 0.00040; 1000 Genomes Project 30x 0.00047.
gnomAD v4.1: 120 of 1,612,718 alleles (0.0074%); highest among the groups gnomAD compares: Admixed American, 0.04%; no homozygotes.

Submissions (2):

CeGaT Center for Human Genetics Tuebingen
Classification: Likely benign. Last evaluated: 2026-07-01. Review status: criteria provided, single submitter. Criteria: CeGaT Center For Human Genetics Tuebingen Variant Classification Criteria Version 2. Collection method: clinical testing. Allele origin: germline. Affected: yes. Observed: 1 variant allele.
Comment: SIPA1L3: BP4, BP7

Labcorp Genetics (formerly Invitae), Labcorp
Classification: Likely benign. Last evaluated: 2023-08-02. Review status: criteria provided, single submitter. Criteria: Invitae Variant Classification Sherloc (09022015). Collection method: clinical testing. Allele origin: germline.

NM_015073.3(SIPA1L3):c.5094G>A (p.Pro1698=)

Gene: SIPA1L3 (signal induced proliferation associated 1 like 3; plus strand). Cytogenetic location: 19q13.2.
Variant type: single nucleotide variant.
Coding change: c.5094G>A on transcript NM_015073.3 (MANE Select); coding-DNA position 5094, G replaced by A.
Protein change: p.Pro1698=; no amino-acid change (proline 1698 retained).
Molecular consequence: synonymous variant.
Genome position (GRCh38, 1-based): chr19:38,201,971, G>A. VCF-style: chr19-38201971-G-A. GRCh37 (hg19) VCF-style: chr19-38692611-G-A.
Identifiers: ClinVar variation 2719845 (VCV002719845.4), dbSNP rs144475976, ClinGen allele CA9410596.